The following is an entry in ClinVar:

NM_000026.4(ADSL):c.-35G>C

Gene: ADSL (adenylosuccinate lyase; plus strand). Cytogenetic location: 22q13.1.
Variant type: single nucleotide variant.
Coding change: c.-35G>C on transcript NM_000026.4 (MANE Select); 35 bases upstream of the start codon, G replaced by C.
Molecular consequence: 5 prime UTR variant. On other transcripts: non-coding transcript variant (1).
Genome position (GRCh38, 1-based): chr22:40,346,524, G>C. VCF-style: chr22-40346524-G-C. GRCh37 (hg19) VCF-style: chr22-40742528-G-C.
Other names: c.-35G>C (NM_001123378.3, NM_001363840.3); c.-172G>C (NM_001317923.2).
Identifiers: ClinVar variation 1391627 (VCV001391627.6), dbSNP rs750649096, ClinGen allele CA324447030.
Genomic context (GRCh38, chr22:40,346,524, plus strand): 5'-GGAAGTCCCGCCCCGCCCCGTCCTGCCCTGGCCTCCAGGTTTCCGCTTCCGCTCTTCCCT[G>C]GTCCAGTCCACCCTGGCGGGGTCGCAGGGTTGGGATGGCGGCTGGAGGCGATCATGGTTC-3'

ClinVar aggregate classification (germline): Uncertain significance (1 of 4 stars; one submission).

Conditions:
Adenylosuccinate lyase deficiency (ADSLD). Also called: ADSL DEFICIENCY. Identifiers: Orphanet 46, MedGen C0268126, MONDO:0007068, OMIM 103050.

gnomAD v4.1: 1 of 1,587,726 alleles (0.000063%); highest among the groups gnomAD compares: Non-Finnish European, 0.000085%; no homozygotes.

Submission:

Labcorp Genetics (formerly Invitae), Labcorp
Classification: Uncertain significance for Adenylosuccinate lyase deficiency. Last evaluated: 2022-03-03. Review status: criteria provided, single submitter. Criteria: Invitae Variant Classification Sherloc (09022015). Collection method: clinical testing. Allele origin: germline.
Comment: This variant has not been reported in the literature in individuals affected with ADSL-related conditions. In summary, the available evidence is currently insufficient to determine the role of this variant in disease. Therefore, it has been classified as a Variant of Uncertain Significance. Experimental studies and prediction algorithms are not available or were not evaluated, and the functional significance of this variant is currently unknown. This variant is not present in population databases (gnomAD no frequency). This variant occurs in a non-coding region of the ADSL gene. It does not change the encoded amino acid sequence of the ADSL protein.